The following is an entry in ClinVar:

NM_018062.4(FANCL):c.274-2A>C

Gene: FANCL (FA complementation group L; minus strand). Cytogenetic location: 2p16.1.
Variant type: single nucleotide variant.
Coding change: c.274-2A>C on transcript NM_018062.4 (MANE Select); the canonical splice acceptor site of the intron before coding-DNA position 274, A replaced by C.
Molecular consequence: splice acceptor variant. On other transcripts: intron variant (1).
Genome position (GRCh38, 1-based): chr2:58,222,044, T>G on the plus strand (A>C on the coding strand, the complement: FANCL is on the minus strand). VCF-style: chr2-58222044-T-G. GRCh37 (hg19) VCF-style: chr2-58449179-T-G.
Other names: c.96+19174A>C (NM_001438892.1); c.274-2A>C (NM_001438891.1, NM_001374615.1, NM_001438889.1 and 3 more transcripts).
Identifiers: ClinVar variation 4746566 (VCV004746566.1).
Genomic context (GRCh38, chr2:58,222,044, plus strand): 5'-TAGAACTGGGGAGGAGGAGGTAGTGCATACAGCTCTTGTCTATTCTTTAAGGCAACTTCC[T>G]GTTTAAAAGAAGAAAACCTGAATTAGCTGTGGAACGCAAGACAATGAACTGTTAATACCT-3'

ClinVar aggregate classification (germline): Likely pathogenic (1 of 4 stars; one submission).

Conditions:
Fanconi anemia (FA). Also called: Fanconi's anemia. Identifiers: Orphanet 84, MedGen C0015625, MeSH D005199, MONDO:0019391.

gnomAD v4.1: 1 of 1,609,094 alleles (0.000062%); no homozygotes.

Submission:

Labcorp Genetics (formerly Invitae), Labcorp
Classification: Likely pathogenic for Fanconi anemia. Last evaluated: 2026-01-05. Review status: criteria provided, single submitter. Criteria: Invitae Variant Classification Sherloc (09022015). Collection method: clinical testing. Allele origin: germline.
Comment: This sequence change affects an acceptor splice site in intron 4 of the FANCL gene. It is expected to disrupt RNA splicing. Variants that disrupt the donor or acceptor splice site typically lead to a loss of protein function (PMID: 16199547), and loss-of-function variants in FANCL are known to be pathogenic (PMID: 19405097, 23613520). This variant is not present in population databases (gnomAD no frequency). This variant has not been reported in the literature in individuals affected with FANCL-related conditions. Algorithms developed to predict the effect of sequence changes on RNA splicing suggest that this variant may disrupt the consensus splice site. In summary, the currently available evidence indicates that the variant is pathogenic, but additional data are needed to prove that conclusively. Therefore, this variant has been classified as Likely Pathogenic.

Literature cited by the submitters: PubMed 16199547; PubMed 19405097; PubMed 23613520.